The following is an entry in ClinVar:

NM_207341.4(ZP1):c.1322G>A (p.Arg441Gln)

Gene: ZP1 (zona pellucida glycoprotein 1; plus strand). Cytogenetic location: 11q12.2.
Variant type: single nucleotide variant.
Coding change: c.1322G>A on transcript NM_207341.4 (MANE Select); coding-DNA position 1322, G replaced by A.
Protein change: p.Arg441Gln; replaces arginine 441 with glutamine.
Molecular consequence: missense variant.
Genome position (GRCh38, 1-based): chr11:60,873,456, G>A. VCF-style: chr11-60873456-G-A. GRCh37 (hg19) VCF-style: chr11-60640929-G-A.
Other names: c.443G>A, p.Arg148Gln (NM_001391943.1); c.128G>A, p.Arg43Gln (NM_001391944.1); short protein forms R43Q, R148Q, R441Q.
Identifiers: ClinVar variation 3823493 (VCV003823493.2).

ClinVar aggregate classification (germline): Uncertain significance. Review status: criteria provided, multiple submitters, no conflicts (2 of 4 stars). 2 submissions from 2 submitters: Uncertain significance (2). Last evaluated 2024-12-11.

Conditions:
Female infertility due to zona pellucida defect (OOMD). Also called: OOCYTE/ZYGOTE/EMBRYO MATURATION ARREST 1; Oocyte maturation defect 1. Identifiers: Orphanet 404466, MedGen C4014291, MONDO:0014342, OMIM 615774.
Inborn genetic diseases. Identifiers: MedGen C0950123, MeSH D030342.

Submissions (2):

Ambry Genetics
Classification: Uncertain significance for Inborn genetic diseases. Last evaluated: 2024-12-11. Review status: criteria provided, single submitter. Criteria: Ambry Variant Classification Scheme 2023. Collection method: clinical testing. Allele origin: germline.

Juno Genomics, Hangzhou Juno Genomics, Inc
Classification: Uncertain significance for Female infertility due to zona pellucida defect. Review status: criteria provided, single submitter. Criteria: ACMG Guidelines, 2015. Collection method: clinical testing. Allele origin: germline. Affected: yes.
Comment: Absent from controls (or at extremely low frequency if recessive) in Genome Aggregation Database, Exome Sequencing Project, 1000 Genomes Project, or Exome Aggregation Consortium.;Patient's phenotype or family history is highly specific for a disease with a single genetic etiology.